The following is an entry in ClinVar:

NM_006158.5(NEFL):c.*101A>G

Gene: NEFL (neurofilament light chain; minus strand). Cytogenetic location: 8p21.2.
Variant type: single nucleotide variant.
Coding change: c.*101A>G on transcript NM_006158.5 (MANE Select); 101 bases downstream of the stop codon, A replaced by G.
Molecular consequence: 3 prime UTR variant.
Genome position (GRCh38, 1-based): chr8:24,952,709, T>C on the plus strand (A>G on the coding strand, the complement: NEFL is on the minus strand). VCF-style: chr8-24952709-T-C. GRCh37 (hg19) VCF-style: chr8-24810222-T-C.
Identifiers: ClinVar variation 362643 (VCV000362643.8), dbSNP rs34505194, ClinGen allele CA10627537.
Genomic context (GRCh38, chr8:24,952,709, plus strand): 5'-ATAGCACAACATTGAATGTCCAACCTAAGTCATCTCAGAATTATACATATATTGACTTTT[T>C]AATTCACATAGAATCTGGAACTCAACTGGTTGGTTGGTTGGTGATGGGGTTGACCTGATT-3'

ClinVar aggregate classification (germline): Benign/Likely benign. Review status: criteria provided, multiple submitters, no conflicts (2 of 4 stars). 2 submissions from 2 submitters: Benign (1); Likely benign (1). Last evaluated 2018-06-29.

Conditions:
Charcot-Marie-Tooth disease type 1F. Also called: CHARCOT-MARIE-TOOTH NEUROPATHY, TYPE 1F; Charcot-Marie-Tooth disease, demyelinating, type 1f. Identifiers: Orphanet 101085, MedGen C1843164, MONDO:0011902, OMIM 607734.

Allele frequency attached by ClinVar (database versions not stated): TOPMed 0.00260; 1000 Genomes Project 30x 0.00281; 1000 Genomes Project 0.00300; gnomAD 0.00346 and 0.00356; gnomAD exomes 0.00424.
gnomAD v4.1: 6,491 of 1,573,232 alleles (0.41%); highest among the groups gnomAD compares: Non-Finnish European, 0.46%; 16 homozygotes.

Submissions (2):

GeneDx
Classification: Likely benign. Last evaluated: 2018-06-29. Review status: criteria provided, single submitter. Criteria: GeneDx Variant Classification Process June 2021. Collection method: clinical testing. Allele origin: germline. Affected: yes.

Illumina Laboratory Services, Illumina
Classification: Benign for Charcot-Marie-Tooth disease type 1F. Last evaluated: 2018-01-13. Review status: criteria provided, single submitter. Criteria: ICSL Variant Classification Criteria 13 December 2019. Collection method: clinical testing. Allele origin: germline.
Comment: This variant was observed in the ICSL laboratory as part of a predisposition screen in an ostensibly healthy population. It had not been previously curated by ICSL or reported in the Human Gene Mutation Database (HGMD: prior to June 1st, 2018), and was therefore a candidate for classification through an automated scoring system. Utilizing variant allele frequency, disease prevalence and penetrance estimates, and inheritance mode, an automated score was calculated to assess if this variant is too frequent to cause the disease. Based on the score and internal cut-off values, a variant classified as benign is not then subjected to further curation. The score for this variant resulted in a classification of benign for this disease.